The following is an entry in ClinVar:

NM_024741.3(ZNF408):c.4G>A (p.Glu2Lys)

Genes: ZNF408 (zinc finger protein 408; plus strand), LOC130005659 (ATAC-STARR-seq lymphoblastoid active region 4684; plus strand). Cytogenetic location: 11p11.2.
Variant type: single nucleotide variant.
Coding change: c.4G>A on transcript NM_024741.3 (MANE Select); coding-DNA position 4, G replaced by A.
Protein change: p.Glu2Lys; replaces glutamic acid 2 with lysine.
Molecular consequence: missense variant. On other transcripts: 5 prime UTR variant (1).
Genome position (GRCh38, 1-based): chr11:46,701,051, G>A. VCF-style: chr11-46701051-G-A. GRCh37 (hg19) VCF-style: chr11-46722601-G-A.
Other names: c.-63G>A (NM_001184751.2); short protein forms E2K.
Identifiers: ClinVar variation 1056401 (VCV001056401.9), dbSNP rs766529520, ClinGen allele CA5966174.

ClinVar aggregate classification (germline): Uncertain significance (1 of 4 stars; one submission).

Allele frequency attached by ClinVar (database versions not stated): gnomAD exomes below 0.00001; ExAC 0.00001.
gnomAD v4.1: 2 of 1,614,166 alleles (0.00012%); highest among the groups gnomAD compares: East Asian, 0.0022%; no homozygotes.

Submission:

Labcorp Genetics (formerly Invitae), Labcorp
Classification: Uncertain significance. Last evaluated: 2020-06-16. Review status: criteria provided, single submitter. Criteria: Invitae Variant Classification Sherloc (09022015). Collection method: clinical testing. Allele origin: germline.
Comment: This sequence change replaces glutamic acid with lysine at codon 2 of the ZNF408 protein (p.Glu2Lys). The glutamic acid residue is moderately conserved and there is a small physicochemical difference between glutamic acid and lysine. This variant is present in population databases (rs766529520, ExAC 0.01%). This variant has not been reported in the literature in individuals with ZNF408-related conditions. Experimental studies and prediction algorithms are not available or were not evaluated, and the functional significance of this variant is currently unknown. In summary, the available evidence is currently insufficient to determine the role of this variant in disease. Therefore, it has been classified as a Variant of Uncertain Significance.